The following is an entry in ClinVar:

ClinVar aggregate classification (germline): Likely benign. Review status: criteria provided, single submitter (1 of 4 stars). 2 submissions from 2 submitters: Likely benign (1). 1 of the submissions does not count toward it. Last evaluated 2025-08-13.

Conditions:
SLIT2-related disorder. Also called: SLIT2-related condition.

Allele frequency attached by ClinVar (database versions not stated): ESP Exome Variant Server 0.00008; ExAC 0.00011; gnomAD exomes 0.00003; gnomAD 0.00006; TOPMed 0.00010.
gnomAD v4.1: 64 of 1,613,968 alleles (0.004%); highest among the groups gnomAD compares: South Asian, 0.019%; no homozygotes.

Submissions (2):

Labcorp Genetics (formerly Invitae), Labcorp
Classification: Likely benign. Last evaluated: 2025-08-13. Review status: criteria provided, single submitter. Criteria: Invitae Variant Classification Sherloc (09022015). Collection method: clinical testing. Allele origin: germline.

PreventionGenetics, part of Exact Sciences
Classification: Likely benign for SLIT2-related condition. Last evaluated: 2022-05-25. Review status: no assertion criteria provided. Collection method: clinical testing. Allele origin: germline. Not counted in ClinVar's aggregate classification.
Comment: This variant is classified as likely benign based on ACMG/AMP sequence variant interpretation guidelines (Richards et al. 2015 PMID: 25741868, with internal and published modifications).

NM_004787.4(SLIT2):c.1233C>T (p.Ile411=)

Gene: SLIT2 (slit guidance ligand 2; plus strand). Cytogenetic location: 4p15.31.
Variant type: single nucleotide variant.
Coding change: c.1233C>T on transcript NM_004787.4 (MANE Select); coding-DNA position 1233, C replaced by T.
Protein change: p.Ile411=; no amino-acid change (isoleucine 411 retained).
Molecular consequence: synonymous variant.
Genome position (GRCh38, 1-based): chr4:20,523,862, C>T. VCF-style: chr4-20523862-C-T. GRCh37 (hg19) VCF-style: chr4-20525485-C-T.
Other names: c.1233C>T (NM_004787.3); c.1245C>T, p.Ile415= (NM_001289135.3); c.1233C>T, p.Ile411= (NM_001289136.3).
Identifiers: ClinVar variation 2906386 (VCV002906386.5), dbSNP rs145340436, ClinGen allele CA2871390.
Genomic context (GRCh38, chr4:20,523,862, plus strand): 5'-TTTTCAGGATCTCCACAACTTGAACCTTCTCTCCCTATATGACAACAAGCTTCAGACCAT[C>T]GCCAAGGGGACCTTTTCACCTCTTCGGGCCATTCAAACTATGTATGTATAAGTGATTTGG-3'
Protein context (NP_004778.1, residues 401-421): LSLYDNKLQT[Ile411=]AKGTFSPLRA